The following is an entry in ClinVar:

NM_003587.5(DHX16):c.2007+1G>T

Gene: DHX16 (DEAH-box helicase 16; minus strand). Cytogenetic location: 6p21.33.
Variant type: single nucleotide variant.
Coding change: c.2007+1G>T on transcript NM_003587.5 (MANE Select); the canonical splice donor site of the intron after coding-DNA position 2007, G replaced by T.
Molecular consequence: splice donor variant.
Genome position (GRCh38, 1-based): chr6:30,659,471, C>A on the plus strand (G>T on the coding strand, the complement: DHX16 is on the minus strand). VCF-style: chr6-30659471-C-A. GRCh37 (hg19) VCF-style: chr6-30627248-C-A.
Other names: NC_000006.11:g.30627248C>A; c.1827+1G>T (NM_001164239.2); c.564+1G>T (NM_001363515.2).
Identifiers: ClinVar variation 4324988 (VCV004324988.2).

ClinVar aggregate classification (germline): Uncertain significance (1 of 4 stars; one submission).

gnomAD v4.1: 24 of 1,586,216 alleles (0.0015%); highest among the groups gnomAD compares: African/African-American, 0.031%; no homozygotes.

Submissions (2):

Women's Health and Genetics/Laboratory Corporation of America, LabCorp
Classification: Uncertain significance. Last evaluated: 2026-03-19. Review status: criteria provided, single submitter. Criteria: LabCorp Variant Classification Summary - May 2015. Collection method: clinical testing. Allele origin: germline.
Comment: Variant summary: DHX16 c.2007+1G>T is located in a canonical splice-site and is predicted to affect mRNA splicing resulting in a significantly altered protein due to either exon skipping, shortening, or inclusion of intronic material. Variants that disrupt the consensus splice site are a relatively common cause of aberrant splicing, however current evidence is not sufficient to establish loss of function as a mechanism for disease. Several computational tools predict a significant impact on normal splicing: Five predict the variant abolishes a 5' splicing donor site. However, these predictions have yet to be confirmed by functional studies. The frequency data for this variant in gnomAD is considered unreliable, as metrics indicate poor data quality at this position. To our knowledge, no occurrence of c.2007+1G>T in individuals affected with DHX16-related conditions and no experimental evidence demonstrating its impact on protein function have been reported. ClinVar contains an entry for this variant (Variation ID: 4324988). Based on the evidence outlined above, the variant was classified as uncertain significance.

Dr. Peter K. Rogan Lab, Western University
No classification provided (evidence only). Condition: Papillary renal cell carcinoma type 1. Review status: no classification provided. Collection method: in vitro. Allele origin: not applicable. Functional consequence: retained intron. Not counted in ClinVar's aggregate classification.